The following is an entry in ClinVar:

ClinVar aggregate classification (germline): Likely benign. Review status: criteria provided, multiple submitters, no conflicts (2 of 4 stars). 2 submissions from 2 submitters: Likely benign (2). Last evaluated 2026-05-06.

gnomAD v4.1: 17 of 1,598,950 alleles (0.0011%); highest among the groups gnomAD compares: Non-Finnish European, 0.0014%; no homozygotes.

Submissions (2):

Women's Health and Genetics/Laboratory Corporation of America, LabCorp
Classification: Likely benign. Last evaluated: 2026-05-06. Review status: criteria provided, single submitter. Criteria: LabCorp Variant Classification Summary - May 2015. Collection method: clinical testing. Allele origin: germline.
Comment: Variant summary: ALPK1 c.121+14G>A alters a non-conserved nucleotide located at a position not widely known to affect splicing. Consensus agreement among computation tools predict no significant impact on normal splicing. However, these predictions have yet to be confirmed by functional studies. The variant allele was found at a frequency of 8.1e-06 in 247402 control chromosomes. The available data on variant occurrences in the general population are insufficient to allow any conclusion about variant significance. To our knowledge, no occurrence of c.121+14G>A in individuals affected with ALPK1-related conditions and no experimental evidence demonstrating its impact on protein function have been reported. ClinVar contains an entry for this variant (Variation ID: 3605326). Based on the evidence outlined above, the variant was classified as likely benign.

Labcorp Genetics (formerly Invitae), Labcorp
Classification: Likely benign. Last evaluated: 2024-11-27. Review status: criteria provided, single submitter. Criteria: Invitae Variant Classification Sherloc (09022015). Collection method: clinical testing. Allele origin: germline.

NM_025144.4(ALPK1):c.121+14G>A

Gene: ALPK1 (alpha kinase 1; plus strand). Cytogenetic location: 4q25.
Variant type: single nucleotide variant.
Coding change: c.121+14G>A on transcript NM_025144.4 (MANE Select); 14 bases into the intron after coding-DNA position 121, G replaced by A.
Molecular consequence: intron variant.
Genome position (GRCh38, 1-based): chr4:112,377,912, G>A. VCF-style: chr4-112377912-G-A. GRCh37 (hg19) VCF-style: chr4-113299068-G-A.
Other names: c.121+14G>A (NM_001102406.2); c.42+14G>A (NM_001253884.2).
Identifiers: ClinVar variation 3605326 (VCV003605326.3).